The following is an entry in ClinVar:

ClinVar aggregate classification (germline): Uncertain significance. Review status: criteria provided, multiple submitters, no conflicts (2 of 4 stars). 2 submissions from 2 submitters: Uncertain significance (2). Last evaluated 2021-09-01.

Conditions:
Myopathy, myofibrillar, 9, with early respiratory failure (MFM9). Also called: EDSTROM MYOPATHY; MYOPATHY, PROXIMAL, WITH EARLY RESPIRATORY MUSCLE INVOLVEMENT; Myopathy, distal, with early respiratory failure, autosomal dominant; Hereditary myopathy with early respiratory failure. Identifiers: Orphanet 178464, Orphanet 34521, MedGen C1863599, MONDO:0011362, OMIM 603689.
Early-onset myopathy with fatal cardiomyopathy (CMYO5). Also called: CONGENITAL MYOPATHY 5 WITH CARDIOMYOPATHY; Salih Myopathy. Identifiers: Orphanet 289377, MedGen C2673677, MONDO:0012714, OMIM 611705. Disease mechanism: loss of function.
Hypertrophic cardiomyopathy 9. Also called: Familial hypertrophic cardiomyopathy 9. Identifiers: MedGen C1861065, MONDO:0013412, OMIM 613765.
Dilated cardiomyopathy 1G (CMD1G). Identifiers: Orphanet 154, MedGen C1858763, MONDO:0011400, OMIM 604145.
Tibial muscular dystrophy (TMD). Also called: UDD MYOPATHY; Tibial muscular dystrophy, tardive; Udd Distal Myopathy – Tibial Muscular Dystrophy. Identifiers: Orphanet 609, MedGen C1838244, MONDO:0010870, OMIM 600334.
Autosomal recessive limb-girdle muscular dystrophy type 2J (LGMDR10). Also called: MUSCULAR DYSTROPHY, LIMB-GIRDLE, AUTOSOMAL RECESSIVE 10; Limb-girdle muscular dystrophy, type 2J. Identifiers: Orphanet 140922, MedGen C1837342, MONDO:0012127, OMIM 608807.

Allele frequency attached by ClinVar (database versions not stated): gnomAD 0.00001; gnomAD exomes 0.00001 and 0.00002; TOPMed 0.00003.
gnomAD v4.1: 16 of 1,611,388 alleles (0.00099%); highest among the groups gnomAD compares: Middle Eastern, 0.016%; no homozygotes.

Submissions (2):

Fulgent Genetics
Classification: Uncertain significance for Tibial muscular dystrophy; Myopathy, myofibrillar, 9, with early respiratory failure; Dilated cardiomyopathy 1G; Autosomal recessive limb-girdle muscular dystrophy type 2J; Early-onset myopathy with fatal cardiomyopathy; Hypertrophic cardiomyopathy 9. Last evaluated: 2021-09-01. Review status: criteria provided, single submitter. Criteria: ACMG Guidelines, 2015. Collection method: clinical testing. Allele origin: unknown.

Biesecker Lab/Clinical Genomics Section, National Institutes of Health
Classification: Uncertain significance. Last evaluated: 2013-06-24. Review status: criteria provided, single submitter. Criteria: Ng et al. (Circ Cardiovasc Genet. 2013). Collection method: research. Allele origin: unknown. Observed: 1 variant allele. Study: ClinSeq.
Comment: The study set was not selected for affection status in relation to any cancer. Pathogenicity categories were based on literature curation. See Pubmed ID:23861362 for details.

Medical sequencing

NM_001267550.2(TTN):c.23686G>A (p.Glu7896Lys)

Gene: TTN (titin; minus strand). Cytogenetic location: 2q31.2.
Variant type: single nucleotide variant.
Coding change: c.23686G>A on transcript NM_001267550.2 (MANE Select); coding-DNA position 23686, G replaced by A.
Protein change: p.Glu7896Lys; replaces glutamic acid 7896 with lysine.
Molecular consequence: missense variant. On other transcripts: intron variant (3).
Genome position (GRCh38, 1-based): chr2:178,719,806, C>T on the plus strand (G>A on the coding strand, the complement: TTN is on the minus strand). VCF-style: chr2-178719806-C-T. GRCh37 (hg19) VCF-style: chr2-179584533-C-T.
Other names: c.22735G>A, p.Glu7579Lys (NM_001256850.1); c.19954G>A, p.Glu6652Lys (NM_133378.4); c.13282+18276G>A (NM_003319.4); c.13858+18276G>A (NM_133437.4); c.13657+18276G>A (NM_133432.3); short protein forms E6652K, E7896K, E7579K.
Identifiers: ClinVar variation 192012 (VCV000192012.2), dbSNP rs786205400, ClinGen allele CA238099.